The following is an entry in ClinVar:

ClinVar aggregate classification (germline): Pathogenic (1 of 4 stars; one submission).

Submission:

Labcorp Genetics (formerly Invitae), Labcorp
Classification: Pathogenic. Last evaluated: 2023-10-20. Review status: criteria provided, single submitter. Criteria: Invitae Variant Classification Sherloc (09022015). Collection method: clinical testing. Allele origin: germline.
Comment: This sequence change creates a premature translational stop signal (p.Gln151Leufs*10) in the SKIV2L gene. It is expected to result in an absent or disrupted protein product. Loss-of-function variants in SKIV2L are known to be pathogenic (PMID: 22444670). This variant is not present in population databases (gnomAD no frequency). This variant has not been reported in the literature in individuals affected with SKIV2L-related conditions. For these reasons, this variant has been classified as Pathogenic.

Literature cited by the submitters: PubMed 22444670.

NM_006929.5(SKIC2):c.452_453del (p.Gln151fs)

Gene: SKIC2 (SKI2 subunit of superkiller complex; plus strand). Cytogenetic location: 6p21.33.
Variant type: Deletion.
Coding change: c.452_453del on transcript NM_006929.5 (MANE Select); coding-DNA positions 452 to 453, 2 bases deleted (AG; older notation c.452_453delAG).
Protein change: p.Gln151fs; shifts the reading frame from glutamine 151.
Molecular consequence: frameshift variant.
Genome position (GRCh38, 1-based): chr6:31,960,529-31,960,530, AG deleted. VCF-style (leftmost placement, unchanged base first): chr6-31960528-CAG-C. GRCh37 (hg19) VCF-style: chr6-31928305-CAG-C.
Other names: short protein forms Q151fs.
Identifiers: ClinVar variation 2770225 (VCV002770225.3), dbSNP rs2482889698, ClinGen allele CA2697546667.